The following is an entry in ClinVar:

ClinVar aggregate classification (germline): Benign. Review status: criteria provided, multiple submitters, no conflicts (2 of 4 stars). 2 submissions from 2 submitters: Benign (2). Last evaluated 2018-06-19.

Allele frequency attached by ClinVar (database versions not stated): 1000 Genomes Project 30x 0.82308; TOPMed 0.82419; 1000 Genomes Project 0.82588; gnomAD 0.82967 and 0.83470; gnomAD exomes 0.90118.
gnomAD v4.1: 387,274 of 440,874 alleles (88%); highest among the groups gnomAD compares: Non-Finnish European, 92%; 172,288 homozygotes.

Submissions (2):

GeneDx
Classification: Benign. Last evaluated: 2018-06-19. Review status: criteria provided, single submitter. Criteria: GeneDx Variant Classification (06012015). Collection method: clinical testing. Allele origin: germline. Affected: yes.
Comment: This variant is considered likely benign or benign based on one or more of the following criteria: it is a conservative change, it occurs at a poorly conserved position in the protein, it is predicted to be benign by multiple in silico algorithms, and/or has population frequency not consistent with disease.

Breakthrough Genomics
Classification: Benign. Review status: criteria provided, single submitter. Criteria: ACMG Guidelines, 2015. Collection method: not provided. Allele origin: germline. Inheritance: Autosomal dominant inheritance. Affected: yes.

NM_000430.4(PAFAH1B1):c.672-263C>T

Gene: PAFAH1B1 (platelet activating factor acetylhydrolase 1b regulatory subunit 1; plus strand). Cytogenetic location: 17p13.3.
Variant type: single nucleotide variant.
Coding change: c.672-263C>T on transcript NM_000430.4 (MANE Select); 263 bases into the intron before coding-DNA position 672, C replaced by T.
Molecular consequence: intron variant.
Genome position (GRCh38, 1-based): chr17:2,673,797, C>T. VCF-style: chr17-2673797-C-T. GRCh37 (hg19) VCF-style: chr17-2577091-C-T.
Identifiers: ClinVar variation 674160 (VCV000674160.2), dbSNP rs2317297, ClinGen allele CA15897608.
Genomic context (GRCh38, chr17:2,673,797, plus strand): 5'-AAGTTACTAGTTTTACTCAGATTAGTAGAGCATAGCTTTTTTCCAATATGGCTGGAAATA[C>T]TTTTAAGTGTGCATTTAGTTTTGAAAGATTTTATTTCTTATACATATTTTATCTTCTAGA-3'